The following is an entry in ClinVar:

ClinVar aggregate classification (germline): Uncertain significance (1 of 4 stars; one submission).

Conditions:
Idiopathic Pulmonary Fibrosis. Also called: Idiopathic fibrosing alveolitis, chronic form; idiopathic fibrosing alveolitis. Identifiers: Orphanet 2032, MedGen C1800706, MeSH D054990, MONDO:0800504.
Dyskeratosis congenita, autosomal dominant 2. Identifiers: MedGen C3151443, MONDO:0013521, OMIM 613989.

gnomAD v4.1: 2 of 1,344,580 alleles (0.00015%); highest among the groups gnomAD compares: Non-Finnish European, 0.00019%; no homozygotes.

Submission:

Labcorp Genetics (formerly Invitae), Labcorp
Classification: Uncertain significance for Dyskeratosis congenita, autosomal dominant 2; Idiopathic Pulmonary Fibrosis. Last evaluated: 2023-02-04. Review status: criteria provided, single submitter. Criteria: Invitae Variant Classification Sherloc (09022015). Collection method: clinical testing. Allele origin: germline.
Comment: This variant is not present in population databases (gnomAD no frequency). This sequence change replaces arginine, which is basic and polar, with glutamine, which is neutral and polar, at codon 8 of the TERT protein (p.Arg8Gln). This variant has not been reported in the literature in individuals affected with TERT-related conditions. Algorithms developed to predict the effect of missense changes on protein structure and function (SIFT, PolyPhen-2, Align-GVGD) all suggest that this variant is likely to be tolerated. In summary, the available evidence is currently insufficient to determine the role of this variant in disease. Therefore, it has been classified as a Variant of Uncertain Significance.

NM_198253.3(TERT):c.23G>A (p.Arg8Gln)

Genes: TERT (telomerase reverse transcriptase; minus strand), LOC110806263 (TERT 5' regulatory region; plus strand). Cytogenetic location: 5p15.33.
Variant type: single nucleotide variant.
Coding change: c.23G>A on transcript NM_198253.3 (MANE Select); coding-DNA position 23, G replaced by A.
Protein change: p.Arg8Gln; replaces arginine 8 with glutamine.
Molecular consequence: missense variant. On other transcripts: non-coding transcript variant (2).
Genome position (GRCh38, 1-based): chr5:1,294,967, C>T on the plus strand (G>A on the coding strand, the complement: TERT is on the minus strand). VCF-style: chr5-1294967-C-T. GRCh37 (hg19) VCF-style: chr5-1295082-C-T.
Other names: c.23G>A, p.Arg8Gln (NM_001193376.3, NM_003219.1); short protein forms R8Q.
Identifiers: ClinVar variation 2044495 (VCV002044495.4), dbSNP rs1379224925, ClinGen allele CA359059938.